The following is an entry in ClinVar:

NM_000268.4(NF2):c.97A>C (p.Met33Leu)

Gene: NF2 (NF2, moesin-ezrin-radixin like (MERLIN) tumor suppressor; plus strand). Cytogenetic location: 22q12.2.
Variant type: single nucleotide variant.
Coding change: c.97A>C on transcript NM_000268.4 (MANE Select); coding-DNA position 97, A replaced by C.
Protein change: p.Met33Leu; replaces methionine 33 with leucine.
Molecular consequence: missense variant. On other transcripts: 5 prime UTR variant (4), non-coding transcript variant (1).
Genome position (GRCh38, 1-based): chr22:29,604,095, A>C. VCF-style: chr22-29604095-A-C. GRCh37 (hg19) VCF-style: chr22-30000084-A-C.
Other names: c.97A>C, p.Met33Leu (NM_001407060.1, NM_001407062.1, NM_001407063.1 and 15 more transcripts); c.-544A>C (NM_001407065.1); c.-160A>C (NM_001407067.1); c.-134A>C (NM_001407053.1, NM_001407056.1); short protein forms M33L.
Identifiers: ClinVar variation 3405035 (VCV003405035.2).

ClinVar aggregate classification (germline): Uncertain significance (1 of 4 stars; one submission).

Conditions:
Hereditary cancer-predisposing syndrome. Also called: Tumor predisposition; Hereditary Cancer Syndrome; Hereditary neoplastic syndrome; Neoplastic Syndromes, Hereditary. Identifiers: Orphanet 140162, MedGen C0027672, MeSH D009386, MONDO:0015356.

gnomAD v4.1: 1 of 1,606,050 alleles (0.000062%); highest among the groups gnomAD compares: Non-Finnish European, 0.000085%; no homozygotes.

Submission:

Ambry Genetics
Classification: Uncertain significance for Hereditary cancer-predisposing syndrome. Last evaluated: 2026-07-06. Review status: criteria provided, single submitter. Criteria: Ambry Variant Classification Scheme 2023. Collection method: clinical testing. Allele origin: germline.
Comment: The p.M33L variant (also known as c.97A>C), located in coding exon 1 of the NF2 gene, results from an A to C substitution at nucleotide position 97. The methionine at codon 33 is replaced by leucine, an amino acid with highly similar properties. This amino acid position is conserved. In addition, the in silico prediction for this alteration is inconclusive. Based on the available evidence, the clinical significance of this variant remains unclear.